The following is an entry in ClinVar:

NM_000138.5(FBN1):c.1837+5G>C

Gene: FBN1 (fibrillin 1; minus strand). Cytogenetic location: 15q21.1.
Variant type: single nucleotide variant.
Coding change: c.1837+5G>C on transcript NM_000138.5 (MANE Select); 5 bases into the intron after coding-DNA position 1837, G replaced by C.
Molecular consequence: intron variant.
Genome position (GRCh38, 1-based): chr15:48,508,577, C>G on the plus strand (G>C on the coding strand, the complement: FBN1 is on the minus strand). VCF-style: chr15-48508577-C-G. GRCh37 (hg19) VCF-style: chr15-48800774-C-G.
Other names: c.1837+5G>C (NM_001406716.1).
Identifiers: ClinVar variation 3769615 (VCV003769615.1).

ClinVar aggregate classification (germline): Likely pathogenic (1 of 4 stars; one submission).

Conditions:
Marfan syndrome (MFS). Also called: MARFAN SYNDROME, TYPE I; Marfan syndrome type 1; Marfan's syndrome; Marfan syndrome, classic; FBN1-Related Marfan Syndrome. Identifiers: Orphanet 284963, Orphanet 558, MedGen C0024796, MONDO:0007947, OMIM 154700.

Submission:

Clinical and Biomedical Sciences, University of Exeter
Classification: Likely pathogenic for Marfan syndrome. Last evaluated: 2025-02-28. Review status: criteria provided, single submitter. Criteria: ACMG Guidelines, 2015. Collection method: research. Allele origin: germline. Affected: yes. Study: 100,000 Genomes Project.
Comment: RT-PCR from blood shows a 66bp extension of exon, r.1837_1838ins66, p.(K612KGSCYKTLDHVLHVPFLLLMLFR). This will insert cryptic sequence into a cbEGF domain which is predicted with high likelihood to be disruptive in fibrillin.